The following is an entry in ClinVar:

NM_006736.6(DNAJB2):c.199C>G (p.Arg67Gly)

Gene: DNAJB2 (DnaJ heat shock protein family (Hsp40) member B2; plus strand). Cytogenetic location: 2q35.
Variant type: single nucleotide variant.
Coding change: c.199C>G on transcript NM_006736.6 (MANE Select); coding-DNA position 199, C replaced by G.
Protein change: p.Arg67Gly; replaces arginine 67 with glycine.
Molecular consequence: missense variant.
Genome position (GRCh38, 1-based): chr2:219,281,741, C>G. VCF-style: chr2-219281741-C-G. GRCh37 (hg19) VCF-style: chr2-220146463-C-G.
Other names: c.199C>G, p.Arg67Gly (NM_001039550.2); short protein forms R67G.
Identifiers: ClinVar variation 947708 (VCV000947708.10), dbSNP rs140172586, ClinGen allele CA2122862.

ClinVar aggregate classification (germline): Uncertain significance (1 of 4 stars; one submission).

Conditions:
Neuronopathy, distal hereditary motor, autosomal recessive 5. Also called: NEUROPATHY, DISTAL HEREDITARY MOTOR, AUTOSOMAL RECESSIVE 5; Spinal muscular atrophy, distal, autosomal recessive, 5; Young adult-onset distal hereditary motor neuropathy. Identifiers: Orphanet 314485, Orphanet 443950, MedGen C4749918, MONDO:0013947, OMIM 614881.

gnomAD v4.1: 2 of 1,613,956 alleles (0.00012%); highest among the groups gnomAD compares: East Asian, 0.0045%; no homozygotes.

Submission:

Labcorp Genetics (formerly Invitae), Labcorp
Classification: Uncertain significance for Neuronopathy, distal hereditary motor, autosomal recessive 5. Last evaluated: 2022-08-23. Review status: criteria provided, single submitter. Criteria: Invitae Variant Classification Sherloc (09022015). Collection method: clinical testing. Allele origin: germline.
Comment: This variant is present in population databases (rs140172586, gnomAD 0.01%). This sequence change replaces arginine, which is basic and polar, with glycine, which is neutral and non-polar, at codon 67 of the DNAJB2 protein (p.Arg67Gly). This variant has not been reported in the literature in individuals affected with DNAJB2-related conditions. ClinVar contains an entry for this variant (Variation ID: 947708). Algorithms developed to predict the effect of missense changes on protein structure and function are either unavailable or do not agree on the potential impact of this missense change (SIFT: "Tolerated"; PolyPhen-2: "Possibly Damaging"; Align-GVGD: "Class C0"). In summary, the available evidence is currently insufficient to determine the role of this variant in disease. Therefore, it has been classified as a Variant of Uncertain Significance.